The following is an entry in ClinVar:

NM_052947.4(ALPK2):c.4424T>G (p.Met1475Arg)

Genes: ALPK2 (alpha kinase 2; minus strand), LOC126862764 (BRD4-independent group 4 enhancer GRCh37_chr18:56202574-56203773; plus strand). Cytogenetic location: 18q21.31.
Variant type: single nucleotide variant.
Coding change: c.4424T>G on transcript NM_052947.4 (MANE Select); coding-DNA position 4424, T replaced by G.
Protein change: p.Met1475Arg; replaces methionine 1475 with arginine.
Molecular consequence: missense variant.
Genome position (GRCh38, 1-based): chr18:58,535,763, A>C on the plus strand (T>G on the coding strand, the complement: ALPK2 is on the minus strand). VCF-style: chr18-58535763-A-C. GRCh37 (hg19) VCF-style: chr18-56202995-A-C.
Other names: short protein forms M1475R.
Identifiers: ClinVar variation 2560592 (VCV002560592.2), dbSNP rs2518874776, ClinGen allele CA402562582.

ClinVar aggregate classification (germline): Uncertain significance (1 of 4 stars; one submission).

Submission:

Ambry Genetics
Classification: Uncertain significance. Last evaluated: 2023-05-13. Review status: criteria provided, single submitter. Criteria: Ambry Variant Classification Scheme 2023. Collection method: clinical testing. Allele origin: germline.
Comment: The p.M1475R variant (also known as c.4424T>G), located in coding exon 4 of the ALPK2 gene, results from a T to G substitution at nucleotide position 4424. The methionine at codon 1475 is replaced by arginine, an amino acid with similar properties. This amino acid position is conserved. In addition, this alteration is predicted to be tolerated by in silico analysis. Since supporting evidence is limited at this time, the clinical significance of this alteration remains unclear.